The following is an entry in ClinVar:

NM_005045.4(RELN):c.7799T>C (p.Val2600Ala)

Gene: RELN (reelin; minus strand). Cytogenetic location: 7q22.1.
Variant type: single nucleotide variant.
Coding change: c.7799T>C on transcript NM_005045.4 (MANE Select); coding-DNA position 7799, T replaced by C.
Protein change: p.Val2600Ala; replaces valine 2600 with alanine.
Molecular consequence: missense variant.
Genome position (GRCh38, 1-based): chr7:103,519,386, A>G on the plus strand (T>C on the coding strand, the complement: RELN is on the minus strand). VCF-style: chr7-103519386-A-G. GRCh37 (hg19) VCF-style: chr7-103159833-A-G.
Other names: c.7799T>C, p.Val2600Ala (NM_173054.3); short protein forms V2600A.
Identifiers: ClinVar variation 2196866 (VCV002196866.3), dbSNP rs1049778817, ClinGen allele CA163927387.
Genomic context (GRCh38, chr7:103,519,386, plus strand): 5'-GGCTTACTGTACTGGTCATAGAAAATCTCCATGAGCAGGTTCCAGGTAATGCCTCCATTG[A>G]CAGAATATTCCAAGAGAACACCTTGGTTACGGTTGTTTGGTGTAATCAGGCACCCATACA-3'
Protein context (NP_005036.2, residues 2590-2610): RNQGVLLEYS[Val2600Ala]NGGITWNLLM

ClinVar aggregate classification (germline): Uncertain significance (1 of 4 stars; one submission).

Conditions:
Familial temporal lobe epilepsy 7. Identifiers: Orphanet 101046, MedGen C4225327, MONDO:0014639, OMIM 616436.
Norman-Roberts syndrome (LIS2). Also called: Lissencephaly 2 (Norman-Roberts type). Identifiers: Orphanet 89844, MedGen C0796089, MONDO:0009760, OMIM 257320.

Allele frequency attached by ClinVar (database versions not stated): gnomAD 0.00001; gnomAD exomes 0.00001; TOPMed 0.00002.
gnomAD v4.1: 16 of 1,613,980 alleles (0.00099%); highest among the groups gnomAD compares: Non-Finnish European, 0.0014%; no homozygotes.

Submission:

Labcorp Genetics (formerly Invitae), Labcorp
Classification: Uncertain significance for Familial temporal lobe epilepsy 7; Norman-Roberts syndrome. Last evaluated: 2021-12-25. Review status: criteria provided, single submitter. Criteria: Invitae Variant Classification Sherloc (09022015). Collection method: clinical testing. Allele origin: germline.
Comment: This sequence change replaces valine, which is neutral and non-polar, with alanine, which is neutral and non-polar, at codon 2600 of the RELN protein (p.Val2600Ala). This variant is not present in population databases (gnomAD no frequency). This variant has not been reported in the literature in individuals affected with RELN-related conditions. Algorithms developed to predict the effect of missense changes on protein structure and function are either unavailable or do not agree on the potential impact of this missense change (SIFT: "Deleterious"; PolyPhen-2: "Benign"; Align-GVGD: "Class C0"). In summary, the available evidence is currently insufficient to determine the role of this variant in disease. Therefore, it has been classified as a Variant of Uncertain Significance.